The following is an entry in ClinVar:

ClinVar aggregate classification (germline): Uncertain significance. Review status: criteria provided, multiple submitters, no conflicts (2 of 4 stars). 2 submissions from 2 submitters: Uncertain significance (2). Last evaluated 2024-10-22.

gnomAD v4.1: 2 of 1,613,764 alleles (0.00012%); highest among the groups gnomAD compares: Non-Finnish European, 0.00017%; no homozygotes.

Submissions (2):

Women's Health and Genetics/Laboratory Corporation of America, LabCorp
Classification: Uncertain significance. Last evaluated: 2024-10-22. Review status: criteria provided, single submitter. Criteria: LabCorp Variant Classification Summary - May 2015. Collection method: clinical testing. Allele origin: germline.
Comment: Variant summary: NDUFAF5 c.144C>A (p.Asp48Glu) results in a conservative amino acid change located in the methyltransferase type 11 domain (IPR013216) of the encoded protein sequence. Three of five in-silico tools predict a damaging effect of the variant on protein function. The variant was absent in 248914 control chromosomes (gnomAD). The available data on variant occurrences in the general population are insufficient to allow any conclusion about variant significance. c.144C>A has been reported in the literature in at least an individual affected with clinical features of Leigh Syndrome (example: Legro_2022). These data do not allow any conclusion about variant significance. To our knowledge, no experimental evidence demonstrating an impact on protein function has been reported. The following publication has been ascertained in the context of this evaluation (PMID: 34797029). ClinVar contains an entry for this variant (Variation ID: 1313030). Based on the evidence outlined above, the variant was classified as uncertain significance.

GeneDx
Classification: Uncertain significance. Last evaluated: 2020-07-10. Review status: criteria provided, single submitter. Criteria: GeneDx Variant Classification Process June 2021. Collection method: clinical testing. Allele origin: germline. Affected: yes.
Comment: Has not been previously published as pathogenic or benign to our knowledge; In silico analysis supports that this missense variant has a deleterious effect on protein structure/function; Not observed in large population cohorts (Lek et al., 2016)

Literature cited by the submitters: PubMed 34797029 (cited by Women's Health and Genetics/Laboratory Corporation of America, LabCorp).

NM_024120.5(NDUFAF5):c.144C>A (p.Asp48Glu)

Genes: NDUFAF5 (NADH:ubiquinone oxidoreductase complex assembly factor 5; plus strand), LOC130065433 (ATAC-STARR-seq lymphoblastoid active region 17552; plus strand). Cytogenetic location: 20p12.1.
Variant type: single nucleotide variant.
Coding change: c.144C>A on transcript NM_024120.5 (MANE Select); coding-DNA position 144, C replaced by A.
Protein change: p.Asp48Glu; replaces aspartic acid 48 with glutamic acid.
Molecular consequence: missense variant. On other transcripts: 5 prime UTR variant (3), non-coding transcript variant (7).
Genome position (GRCh38, 1-based): chr20:13,785,212, C>A. VCF-style: chr20-13785212-C-A. GRCh37 (hg19) VCF-style: chr20-13765858-C-A.
Other names: c.144C>A, p.Asp48Glu (NM_001039375.3, NM_001352408.2); c.-224C>A (NM_001352403.2); c.-438C>A (NM_001352406.2); c.-552C>A (NM_001352407.2); short protein forms D48E.
Identifiers: ClinVar variation 1313030 (VCV001313030.3), dbSNP rs1194843466, ClinGen allele CA408282331.